The following is an entry in ClinVar:

NM_000384.3(APOB):c.1551A>G (p.Thr517=)

Gene: APOB (apolipoprotein B; minus strand). Cytogenetic location: 2p24.1.
Variant type: single nucleotide variant.
Coding change: c.1551A>G on transcript NM_000384.3 (MANE Select); coding-DNA position 1551, A replaced by G.
Protein change: p.Thr517=; no amino-acid change (threonine 517 retained).
Molecular consequence: synonymous variant.
Genome position (GRCh38, 1-based): chr2:21,029,705, T>C on the plus strand (A>G on the coding strand, the complement: APOB is on the minus strand). VCF-style: chr2-21029705-T-C. GRCh37 (hg19) VCF-style: chr2-21252577-T-C.
Identifiers: ClinVar variation 3392988 (VCV003392988.1).
Genomic context (GRCh38, chr2:21,029,705, plus strand): 5'-TTTAGGCTCCATTTTCCGCAGAGCCTGGATGGCAGCTTTCTGGATCATCAGTGATGGCTT[T>C]GTACTTTGGACACATTTCAGGATTGAAGACTTGAGTTCTGGAGTTAACTGCTCCATGGTT-3'
Protein context (NP_000375.3, residues 507-527): KSSILKCVQS[Thr517=]KPSLMIQKAA

ClinVar aggregate classification (germline): Likely benign (1 of 4 stars; one submission).

Conditions:
Familial hypercholesterolemia. Also called: Familial hypercholesterolaemia. Identifiers: MedGen C0020445, MONDO:0005439.

Submission:

GENinCode PLC
Classification: Likely benign for Familial hypercholesterolemia. Last evaluated: 2024-11-22. Review status: criteria provided, single submitter. Criteria: ACMG Guidelines, 2015. Collection method: clinical testing. Allele origin: germline.
Comment: This is a synonymous (silent) variant that is not predicted by SpliceAI to impact splicing. In addition, it occurs at a nucleotide that is not conserved. Therefore this variant has been classified as Likely Benign (BP4, BP7).